The following is an entry in ClinVar:

ClinVar aggregate classification (germline): Benign/Likely benign. Review status: criteria provided, multiple submitters, no conflicts (2 of 4 stars). 2 submissions from 2 submitters: Benign (1); Likely benign (1). Last evaluated 2026-05-17.

Conditions:
CACNA1B-related disorder. Also called: CACNA1B-related condition.

Allele frequency attached by ClinVar (database versions not stated): gnomAD 0.00010; TOPMed 0.00023; ExAC 0.00030.
gnomAD v4.1: 258 of 1,518,414 alleles (0.017%); highest among the groups gnomAD compares: Admixed American, 0.021%; no homozygotes.

Submissions (2):

PreventionGenetics, part of Exact Sciences
Classification: Likely benign for CACNA1B-related condition. Last evaluated: 2026-05-17. Review status: criteria provided, single submitter. Criteria: ACMG Guidelines, 2015. Collection method: clinical testing. Allele origin: germline.
Comment: This variant is classified as likely benign based on ACMG/AMP sequence variant interpretation guidelines (Richards et al. 2015 PMID: 25741868, with internal and published modifications).

Labcorp Genetics (formerly Invitae), Labcorp
Classification: Benign. Last evaluated: 2025-11-07. Review status: criteria provided, single submitter. Criteria: Invitae Variant Classification Sherloc (09022015). Collection method: clinical testing. Allele origin: germline.

NM_000718.4(CACNA1B):c.5922C>T (p.Asp1974=)

Gene: CACNA1B (calcium voltage-gated channel subunit alpha1 B; plus strand). Cytogenetic location: 9q34.3.
Variant type: single nucleotide variant.
Coding change: c.5922C>T on transcript NM_000718.4 (MANE Select); coding-DNA position 5922, C replaced by T.
Protein change: p.Asp1974=; no amino-acid change (aspartic acid 1974 retained).
Molecular consequence: synonymous variant.
Genome position (GRCh38, 1-based): chr9:138,118,660, C>T. VCF-style: chr9-138118660-C-T. GRCh37 (hg19) VCF-style: chr9-141013112-C-T.
Other names: c.5922C>T, p.Asp1974= (NM_001243812.2); c.5922C>T (NM_000718.3).
Identifiers: ClinVar variation 2051221 (VCV002051221.5), dbSNP rs201160164, ClinGen allele CA5377549.